The following is an entry in ClinVar:

NM_007194.4(CHEK2):c.1427C>T (p.Thr476Met)

Gene: CHEK2 (checkpoint kinase 2; minus strand). Cytogenetic location: 22q12.1.
Variant type: single nucleotide variant.
Coding change: c.1427C>T on transcript NM_007194.4 (MANE Select); coding-DNA position 1427, C replaced by T.
Protein change: p.Thr476Met; replaces threonine 476 with methionine.
Molecular consequence: missense variant.
Genome position (GRCh38, 1-based): chr22:28,694,066, G>A on the plus strand (C>T on the coding strand, the complement: CHEK2 is on the minus strand). VCF-style: chr22-28694066-G-A. GRCh37 (hg19) VCF-style: chr22-29090054-G-A.
Other names: p.T476M:ACG>ATG; c.1340C>T, p.Thr447Met (NM_145862.3); c.1556C>T, p.Thr519Met (NM_001005735.3); c.764C>T, p.Thr255Met (NM_001257387.3); c.1226C>T, p.Thr409Met (NM_001349956.3); short protein forms T476M, T255M, T409M, T447M, T519M.
Identifiers: ClinVar variation 128060 (VCV000128060.147), dbSNP rs142763740, ClinGen allele CA288282.

ClinVar aggregate classification (germline): Conflicting classifications of pathogenicity. Review status: criteria provided, conflicting classifications (1 of 4 stars). 62 submissions from 60 submitters: Pathogenic (1); Likely pathogenic (18); Established risk allele (2); Likely risk allele (1); Uncertain significance (26). 14 of the submissions do not count toward it. Last evaluated 2026-10-01.

Conditions:
Bone osteosarcoma. Also called: Osteosarcoma, somatic. Identifiers: Orphanet 668, MedGen C0585442, MONDO:0002629, OMIM 259500.
Familial prostate cancer. Also called: Hereditary Prostate Cancer. Identifiers: MedGen C2931456, MONDO:0700275, OMIM 176807.
CHEK2-related cancer predisposition (TPDS4). Also called: CHEK2-related cancer susceptibility; TUMOR PREDISPOSITION SYNDROME 4; CANCER PREDISPOSITION SYNDROME, CHEK2-RELATED. Identifiers: Orphanet 524, MedGen C5882668, MONDO:0700271, OMIM 609265.
Predisposition to cancer.
Familial cancer of breast. Also called: hereditary breast carcinoma; BREAST CANCER, FAMILIAL; Hereditary breast cancer. Identifiers: Orphanet 227535, MedGen C0346153, MONDO:0016419, OMIM 114480. Disease mechanism: loss of function.
Prostate cancer. Also called: Malignant tumor of prostate. Identifiers: Orphanet 1331, MedGen C0376358, MONDO:0008315, HP:0012125.
Colorectal cancer. Also called: Colorectal cancer, somatic; Malignant Colorectal Neoplasm. Identifiers: MedGen C0346629, MONDO:0005575, OMIM 114500.
CHEK2-related disorder.
Inherited breast cancer and ovarian cancer.
Breast and/or ovarian cancer. Identifiers: MedGen CN221562.
Breast neoplasm. Also called: Neoplasm of breast; Breast tumor; Neoplasm of the breast; Breast Neoplasms. Identifiers: MedGen C1458155, MeSH D001943, MONDO:0021100, HP:0100013. Disease mechanism: gain of function.
Hereditary cancer-predisposing syndrome. Also called: Hereditary neoplastic syndrome; Neoplastic Syndromes, Hereditary; Tumor predisposition; Hereditary Cancer Syndrome. Identifiers: Orphanet 140162, MedGen C0027672, MeSH D009386, MONDO:0015356.
Hereditary breast ovarian cancer syndrome. Also called: BRCA1- and BRCA2-Associated Hereditary Breast and Ovarian Cancer; Hereditary breast and ovarian cancer syndrome; Hereditary breast and/or ovarian cancer syndrome; Hereditary breast and ovarian cancer; Hereditary breast and ovarian cancer syndrome (HBOC); Breast and ovarian cancer. Identifiers: Orphanet 145, MedGen C0677776, MeSH D061325, MONDO:0003582. Disease mechanism: loss of function.
Breast and colorectal cancer, susceptibility to. Also called: HBCC, susceptibility to. Identifiers: MedGen CN068920.
Malignant tumor of breast. Also called: Malignant breast neoplasm; Cancer breast. Identifiers: MedGen C0006142, MONDO:0007254. Disease mechanism: loss of function.
Breast carcinoma. Also called: Carcinoma of breast. Identifiers: MedGen C0678222, MONDO:0004989, HP:0003002.
Colon cancer. Also called: Malignant tumor of colon. Identifiers: MedGen C0007102, MONDO:0021063, HP:0003003.

Allele frequency attached by ClinVar (database versions not stated): ExAC 0.00038; ESP Exome Variant Server 0.00040; 1000 Genomes Project 0.00020; 1000 Genomes Project 30x 0.00031; gnomAD 0.00032; gnomAD exomes 0.00033 and 0.00042; TOPMed 0.00036.
gnomAD v4.1: 644 of 1,595,894 alleles (0.04%); highest among the groups gnomAD compares: Middle Eastern, 0.41%; 1 homozygote.

Submissions 1 to 6 of 62:

St. Jude Molecular Pathology, St. Jude Children's Research Hospital
Classification: Uncertain significance for Predisposition to cancer. Last evaluated: 2026-10-01. Review status: criteria provided, single submitter. Criteria: St. Jude Assertion Criteria 2020. Collection method: clinical testing. Allele origin: germline.
Comment: The CHEK2 c.1427C>T p.(Thr476Met) missense change has a maximum subpopulation frequency of 0.05% in gnomAD v2.1.1. The in silico tool REVEL is inconclusive about a pathogenic or benign effect of this variant on protein function, and functional studies are conflicting (PMID: 22114986, 22419737, 30851065, 31050813). This variant has been repor ted in breast cancer cases and unaffected controls with odds ratios ranging from 1.35 to 1.63 (PMID: 36136322, 31050813, 33471991). In summary, the evidence currently available is insufficient to determine the clinical significance of this variant. It ha s therefore been classified as of uncertain significance.

Catlab - Consorci Sanitari de Terrassa
Classification: Uncertain significance for Hereditary cancer-predisposing syndrome. Last evaluated: 2026-07-02. Review status: criteria provided, single submitter. Criteria: CanVIG CHEK2 V1.2. Collection method: clinical testing. Allele origin: germline.
Comment: Based on the currently available information, this variant is classified as Uncertain Significance (risk allele (PMID: 31147632)) according to CanVIG-CHEK2 v1.2 guidelines. ACMG criteria: PM1.

Women's Health and Genetics/Laboratory Corporation of America, LabCorp
Classification: Uncertain significance. Last evaluated: 2026-04-28. Review status: criteria provided, single submitter. Criteria: LabCorp Variant Classification Summary - May 2015. Collection method: clinical testing. Allele origin: germline.
Comment: Variant summary: CHEK2 c.1427C>T (p.Thr476Met) results in a non-conservative amino acid change located in the Protein kinase domain of the encoded protein sequence. Algorithms developed to predict the effect of missense changes on protein structure and function all suggest that this variant is likely to be disruptive. The variant allele was found at a frequency of 0.00032 in 238040 control chromosomes. The observed variant frequency is equal to the estimated maximal expected allele frequency for a pathogenic variant in CHEK2 causing Hereditary Breast And Ovarian Cancer Syndrome phenotype (0.00031). Additionally, this variant has been observed in 8 individuals who are reportedly cancer free at age 70 in the FLOSSIES database. In addition, co-occurrences with other pathogenic variants have been observed at our laboratory (BRCA2 c.8677C>T, p.Gln2893*; PMS2 c.2444C>T, p.Ser815Leu). c.1427C>T has been reported in the literature in individuals affected with a variety of cancers such as Breast, Ovarian, Colorectal, and Pancreatic cancers (example, Le Calvez-Kelm_2011, Angelova_2012, Susswein_2015, Hu_2016, Schuber_2019, Henn_2019, Bertelsen_2019, Lerner-Ellis_2019). For some of these cases multigenic panel screening was performed, however, in most cases, the co-occurrence information was not provided and segregation studies were not performed. These report(s) do not provide unequivocal conclusions about association of the variant with Hereditary Breast And Ovarian Cancer Syndrome. Several publications report experimental evidence evaluating an impact on protein function. The most pronounced variant effect results in disruption of CHEK2 kinase activity in vitro and impairs DNA damage response in a yeast assay (example, Desrichard_2011; Roeb_2012, Delimitsou_2019), suggesting a deleterious outcome or at least a possible modifying role of the variant in carcinogenesis. The following publications have been ascertained in the context of this evaluation (PMID: 22862163, 31341520, 31398194, 27621404, 31263571, 35643632, 28944238, 30851065, 22114986, 15095295, 28495237, 30680046, 26483394, 29922827, 29368341, 21244692, 27751358, 31784482, 30128536, 28008555, 27443514, 22419737, 30426508, 26845104, 26681312, 26787654, 29945567, 28135145, Young_2016). ClinVar contains an entry for this variant (Variation ID: 128060). Based on the evidence outlined above, the variant was classified as uncertain significance.

CeGaT Center for Human Genetics Tuebingen
Classification: Uncertain significance. Last evaluated: 2026-04-01. Review status: criteria provided, single submitter. Criteria: CeGaT Center For Human Genetics Tuebingen Variant Classification Criteria Version 2. Collection method: clinical testing. Allele origin: germline. Affected: yes. Observed: 13 variant alleles.
Comment: CHEK2: PS4:Moderate, PM2:Supporting, PS3:Supporting, BP4

Labcorp Genetics (formerly Invitae), Labcorp
Classification: Uncertain significance for Familial cancer of breast. Last evaluated: 2026-02-03. Review status: criteria provided, single submitter. Criteria: Invitae Variant Classification Sherloc (09022015). Collection method: clinical testing. Allele origin: germline.
Comment: This sequence change replaces threonine, which is neutral and polar, with methionine, which is neutral and non-polar, at codon 476 of the CHEK2 protein (p.Thr476Met). This variant is present in population databases (rs142763740, gnomAD 0.05%), and has an allele count higher than expected for a pathogenic variant. This missense change has been observed in individual(s) with breast cancer, colorectal cancer, endometrial cancer, ovarian cancer, and/or prostate cancer (PMID: 21244692, 27443514, 28008555, 28944238, 29368341, 29520813, 31050813). ClinVar contains an entry for this variant (Variation ID: 128060). Based on a multifactorial likelihood algorithm using genetic, in silico, and/or statistical data, this variant has been determined to have a low probability of being pathogenic (external communication). Experimental studies are conflicting or provide insufficient evidence to determine the effect of this variant on CHEK2 function (PMID: 22114986, 22419737, 30851065, 31050813). In summary, the available evidence is currently insufficient to determine the role of this variant in disease. Therefore, it has been classified as a Variant of Uncertain Significance.

Hema, HEMA – Genetic and Molecular Diagnostic Laboratory
Classification: Established risk allele for CHEK2-related cancer predisposition. Last evaluated: 2026-01-19. Review status: criteria provided, single submitter. Criteria: HEMA Variant Classification Assertion Criteria. Collection method: clinical testing. Allele origin: germline.
Comment: The c.1427C>T (p.Thr476Met) variant has been associated with an increased risk of cancer, primarily breast cancer. The variant has been observed in various populations with a high frequency in gnomAD (Popmax Filtering AF = 0.002630 in the Middle East population). Case-control studies have reported a statistically significant association of the variant with breast cancer (OR = 1.631; 95% CI: 1.134-2.345; PMID: 33471991). Functional studies have evaluated the impact of the variant on CHK2 protein function with variable results (PMID: 22114986, 22419737, 30851065, 31050813, 37449874, 39146382). In summary, while it is not expected to cause a highly penetrant Mendelian disease, this variant is a risk allele for breast cancer.